The following is an entry in ClinVar:

NM_000936.4(PNLIP):c.1131C>T (p.Phe377=)

Gene: PNLIP (pancreatic lipase; plus strand). Cytogenetic location: 10q25.3.
Variant type: single nucleotide variant.
Coding change: c.1131C>T on transcript NM_000936.4 (MANE Select); coding-DNA position 1131, C replaced by T.
Protein change: p.Phe377=; no amino-acid change (phenylalanine 377 retained).
Molecular consequence: synonymous variant.
Genome position (GRCh38, 1-based): chr10:116,560,486, C>T. VCF-style: chr10-116560486-C-T. GRCh37 (hg19) VCF-style: chr10-118319998-C-T.
Other names: c.1131C>T (NM_000936.3).
Identifiers: ClinVar variation 2041453 (VCV002041453.5), dbSNP rs150852844, ClinGen allele CA5706696.

ClinVar aggregate classification (germline): Benign. Review status: criteria provided, multiple submitters, no conflicts (2 of 4 stars). 2 submissions from 2 submitters: Benign (2). Last evaluated 2025-12-31.

Conditions:
PNLIP-related disorder. Also called: PNLIP-related condition.

Allele frequency attached by ClinVar (database versions not stated): gnomAD exomes 0.00045; 1000 Genomes Project 30x 0.00359; 1000 Genomes Project 0.00379; gnomAD 0.00406; TOPMed 0.00454; ESP Exome Variant Server 0.00577.
gnomAD v4.1: 1,304 of 1,597,618 alleles (0.082%); highest among the groups gnomAD compares: African/African-American, 1.4%; 8 homozygotes.

Submissions (2):

Labcorp Genetics (formerly Invitae), Labcorp
Classification: Benign. Last evaluated: 2025-12-31. Review status: criteria provided, single submitter. Criteria: Invitae Variant Classification Sherloc (09022015). Collection method: clinical testing. Allele origin: germline.

PreventionGenetics, part of Exact Sciences
Classification: Benign for PNLIP-related condition. Last evaluated: 2025-10-21. Review status: criteria provided, single submitter. Criteria: ACMG Guidelines, 2015. Collection method: clinical testing. Allele origin: germline.
Comment: This variant is classified as benign based on ACMG/AMP sequence variant interpretation guidelines (Richards et al. 2015 PMID: 25741868, with internal and published modifications).